The following is an entry in ClinVar:

NM_020989.4(CRYGC):c.424del (p.Arg142fs)

Genes: CRYGC (crystallin gamma C; minus strand), LOC100507443 (uncharacterized LOC100507443; plus strand). Cytogenetic location: 2q33.3.
Variant type: Deletion.
Coding change: c.424del on transcript NM_020989.4 (MANE Select); coding-DNA position 424, one base deleted (C; older notation c.424delC).
Protein change: p.Arg142fs; shifts the reading frame from arginine 142.
Molecular consequence: frameshift variant.
Genome position (GRCh38, 1-based): chr2:208,128,304, G deleted on the plus strand (C on the coding strand, the reverse complement: CRYGC is on the minus strand). VCF-style (leftmost placement, unchanged base first): chr2-208128303-CG-C. GRCh37 (hg19) VCF-style: chr2-208993027-CG-C.
Other names: short protein forms R142fs.
Identifiers: ClinVar variation 1321018 (VCV001321018.2), dbSNP rs2105857860, ClinGen allele CA2573051848.

ClinVar aggregate classification (germline): Pathogenic (1 of 4 stars; one submission).

Submission:

GeneDx
Classification: Pathogenic. Last evaluated: 2019-10-07. Review status: criteria provided, single submitter. Criteria: GeneDx Variant Classification Process June 2021. Collection method: clinical testing. Allele origin: germline. Affected: yes.
Comment: Frameshift variant in the C-terminus predicted to result in protein truncation, as the last 33 amino acids are lost and replaced with 4 incorrect amino acids, and other loss-of function variants have been reported downstream in the Human Gene Mutation Database (Stenson et al., 2014); Not observed in large population cohorts (Lek et al., 2016); Has not been previously published as pathogenic or benign to our knowledge